The following is an entry in ClinVar:

NM_001035.3(RYR2):c.14014A>T (p.Met4672Leu)

Gene: RYR2 (ryanodine receptor 2; plus strand). Cytogenetic location: 1q43.
Variant type: single nucleotide variant.
Coding change: c.14014A>T on transcript NM_001035.3 (MANE Select); coding-DNA position 14014, A replaced by T.
Protein change: p.Met4672Leu; replaces methionine 4672 with leucine.
Molecular consequence: missense variant.
Genome position (GRCh38, 1-based): chr1:237,798,094, A>T. VCF-style: chr1-237798094-A-T. GRCh37 (hg19) VCF-style: chr1-237961394-A-T.
Other names: short protein forms M4672L.
Identifiers: ClinVar variation 1709175 (VCV001709175.2), dbSNP rs1423265074, ClinGen allele CA345419746.

ClinVar aggregate classification (germline): Uncertain significance (1 of 4 stars; one submission).

Conditions:
Arrhythmogenic right ventricular dysplasia 2. Identifiers: MedGen C1832931.

gnomAD v4.1: 1 of 1,611,984 alleles (0.000062%); highest among the groups gnomAD compares: Non-Finnish European, 0.000085%; no homozygotes.

Submission:

MGZ Medical Genetics Center
Classification: Uncertain significance for Catecholaminergic polymorphic ventricular tachycardia 1. Last evaluated: 2022-03-03. Review status: criteria provided, single submitter. Criteria: ACMG Guidelines, 2015. Collection method: clinical testing. Allele origin: germline. Affected: yes. Observed: 1 variant allele.
Comment: ACMG criteria applied: PM2_SUP, PP2